The following is an entry in ClinVar:

ClinVar aggregate classification (germline): Pathogenic/Likely pathogenic. Review status: criteria provided, multiple submitters, no conflicts (2 of 4 stars). 3 submissions from 3 submitters: Pathogenic (1); Likely pathogenic (2). Last evaluated 2025-03-11.

Conditions:
Lafora disease. Also called: Epilepsy progressive myoclonic 2; Progressive Myoclonus Epilepsy, Lafora Type. Identifiers: Orphanet 501, MedGen C0751783, MONDO:0009697.
Progressive myoclonic epilepsy. Also called: Familial progressive myoclonic epilepsy; Progressive myoclonus epilepsy; Myoclonus epilepsy; Myoclonic Epilepsies, Progressive. Identifiers: Orphanet 308, Orphanet 98261, MedGen C0751778, MONDO:0020074.

Submissions (3):

Labcorp Genetics (formerly Invitae), Labcorp
Classification: Pathogenic for Progressive myoclonic epilepsy. Last evaluated: 2025-03-11. Review status: criteria provided, single submitter. Criteria: Invitae Variant Classification Sherloc (09022015). Collection method: clinical testing. Allele origin: germline.
Comment: This sequence change creates a premature translational stop signal (p.Leu40*) in the EPM2A gene. It is expected to result in an absent or disrupted protein product. Loss-of-function variants in EPM2A are known to be pathogenic (PMID: 20738377). This variant is present in population databases (no rsID available, gnomAD 0.01%). This variant has not been reported in the literature in individuals affected with EPM2A-related conditions. ClinVar contains an entry for this variant (Variation ID: 956069). For these reasons, this variant has been classified as Pathogenic.

Broad Center for Mendelian Genomics, Broad Institute of MIT and Harvard
Classification: Likely pathogenic for Lafora disease. Last evaluated: 2025-01-08. Review status: criteria provided, single submitter. Criteria: ACMG Guidelines, 2015. Collection method: curation. Allele origin: germline. Inheritance: Autosomal recessive inheritance.
Comment: The p.Leu40Ter variant in EPM2A has not been previously reported in the literature in individuals with Lafora disease, but has been identified in 0.005% (2/39540) of African/African American chromosomes by the Genome Aggregation Database (gnomAD; dbSNP ID: rs1170939620). Although this variant has been seen in the general population in a heterozygous state, its frequency is low enough to be consistent with a recessive carrier frequency. This variant has also been reported in ClinVar (Variation ID: 956069) and has been interpreted as pathogenic by Invitae and likely pathogenic by GeneDx. This nonsense variant leads to a premature termination codon at position 40, which is predicted to lead to a truncated or absent protein. Loss of function of the EPM2A gene is an established disease mechanism in autosomal recessive Lafora disease. In summary, although additional studies are required to fully establish its clinical significance, this variant is likely pathogenic for autosomal recessive Lafora disease. ACMG/AMP Criteria applied: PVS1, PM2_supporting (Richards 2015).

GeneDx
Classification: Likely pathogenic. Last evaluated: 2023-05-18. Review status: criteria provided, single submitter. Criteria: GeneDx Variant Classification Process June 2021. Collection method: clinical testing. Allele origin: germline. Affected: yes.
Comment: Nonsense variant predicted to result in protein truncation or nonsense mediated decay in a gene for which loss of function is a known mechanism of disease; Not observed at significant frequency in large population cohorts (gnomAD); Has not been previously published as pathogenic or benign to our knowledge

Literature cited by the submitters: PubMed 20738377 (cited by Labcorp Genetics (formerly Invitae), Labcorp).

NM_005670.4(EPM2A):c.118del (p.Arg39_Leu40insTer)

Genes: EPM2A (EPM2A glucan phosphatase, laforin; minus strand), EPM2A-DT (EPM2A divergent transcript; plus strand), LOC129997381 (ATAC-STARR-seq lymphoblastoid silent region 17642; plus strand). Cytogenetic location: 6q24.3.
Variant type: Deletion.
Coding change: c.118del on transcript NM_005670.4 (MANE Select); coding-DNA position 118, one base deleted (C; older notation c.118delC).
Protein change: p.Arg39_Leu40insTer.
Molecular consequence: nonsense. On other transcripts: 5 prime UTR variant (3), intron variant (1).
Genome position (GRCh38, 1-based): chr6:145,735,381, G deleted on the plus strand (C on the coding strand, the reverse complement: EPM2A is on the minus strand); the first of 2 consecutive G bases (chr6:145,735,381-145,735,382); deleting either gives the same sequence. VCF-style (leftmost placement, unchanged base first): chr6-145735380-AG-A. GRCh37 (hg19) VCF-style: chr6-146056516-AG-A.
Other names: NM_005670.4(EPM2A):c.118del; p.Arg39_Leu40insTer; c.118del, p.Arg39_Leu40insTer (NM_001018041.2, NM_001360057.2, NM_001368130.1); c.-552del (NM_001360071.2); c.-506del (NM_001368129.2); c.-250del (NM_001368131.1); c.-114+527del (NM_001360064.2).
Identifiers: ClinVar variation 956069 (VCV000956069.9), dbSNP rs1170939620, ClinGen allele CA571439447.
Genomic context (GRCh38, chr6:145,735,380, plus strand): 5'-CACAGGCCCGGCTCCTGCAGGGCCAGGGCCCCGTCGCCCGCCGCGGTGCCGGCCGGCCTC[AG>A]GCGGACGGCACCGCGCGGCTCCCAACGCCCCAGCTCGGGCCGCGACCCCACCACCAGCAG-3'